The following is an entry in ClinVar:

NM_001130009.3(GEN1):c.2557T>C (p.Cys853Arg)

Gene: GEN1 (GEN1 structure-specific endonuclease; plus strand). Cytogenetic location: 2p24.2.
Variant type: single nucleotide variant.
Coding change: c.2557T>C on transcript NM_001130009.3 (MANE Select); coding-DNA position 2557, T replaced by C.
Protein change: p.Cys853Arg; replaces cysteine 853 with arginine.
Molecular consequence: missense variant.
Genome position (GRCh38, 1-based): chr2:17,781,769, T>C. VCF-style: chr2-17781769-T-C. GRCh37 (hg19) VCF-style: chr2-17963036-T-C.
Other names: c.2557T>C, p.Cys853Arg (NM_182625.5); short protein forms C853R.
Identifiers: ClinVar variation 4857989 (VCV004857989.1).

ClinVar aggregate classification (germline): Uncertain significance (1 of 4 stars; one submission).

Submission:

Ambry Genetics
Classification: Uncertain significance. Last evaluated: 2026-05-19. Review status: criteria provided, single submitter. Criteria: Ambry Variant Classification Scheme 2023. Collection method: clinical testing. Allele origin: germline.
Comment: The p.C853R variant (also known as c.2557T>C), located in coding exon 13 of the GEN1 gene, results from a T to C substitution at nucleotide position 2557. The cysteine at codon 853 is replaced by arginine, an amino acid with highly dissimilar properties. This amino acid position is conserved. In addition, this alteration is predicted to be tolerated by in silico analysis. Based on the available evidence, the clinical significance of this variant remains unclear.